The following is an entry in ClinVar:

NM_000512.5(GALNS):c.1196A>C (p.Lys399Thr)

Gene: GALNS (galactosamine (N-acetyl)-6-sulfatase; minus strand). Cytogenetic location: 16q24.3.
Variant type: single nucleotide variant.
Coding change: c.1196A>C on transcript NM_000512.5 (MANE Select); coding-DNA position 1196, A replaced by C.
Protein change: p.Lys399Thr; replaces lysine 399 with threonine.
Molecular consequence: missense variant.
Genome position (GRCh38, 1-based): chr16:88,824,813, T>G on the plus strand (A>C on the coding strand, the complement: GALNS is on the minus strand). VCF-style: chr16-88824813-T-G. GRCh37 (hg19) VCF-style: chr16-88891221-T-G.
Other names: c.641A>C, p.Lys214Thr (NM_001323543.2); c.1214A>C, p.Lys405Thr (NM_001323544.2); short protein forms K405T, K399T, K214T.
Identifiers: ClinVar variation 1505633 (VCV001505633.6), dbSNP rs1267791852, ClinGen allele CA397097586.

ClinVar aggregate classification (germline): Likely pathogenic (1 of 4 stars; one submission).

Conditions:
Mucopolysaccharidosis, MPS-IV-A (MPS4A). Also called: MPS IVA; GALACTOSAMINE-6-SULFATASE DEFICIENCY; GALNS DEFICIENCY; MORQUIO A DISEASE; Morquio syndrome A, mild; MORQUIO SYNDROME A. Identifiers: Orphanet 309297, Orphanet 582, MedGen C0086651, MONDO:0009659, OMIM 253000.

Allele frequency attached by ClinVar (database versions not stated): gnomAD exomes below 0.00001.
gnomAD v4.1: 1 of 1,613,420 alleles (0.000062%); highest among the groups gnomAD compares: Non-Finnish European, 0.000085%; no homozygotes.

Submission:

Labcorp Genetics (formerly Invitae), Labcorp
Classification: Likely pathogenic for Mucopolysaccharidosis, MPS-IV-A. Last evaluated: 2024-11-18. Review status: criteria provided, single submitter. Criteria: Invitae Variant Classification Sherloc (09022015). Collection method: clinical testing. Allele origin: germline.
Comment: This sequence change replaces lysine, which is basic and polar, with threonine, which is neutral and polar, at codon 399 of the GALNS protein (p.Lys399Thr). This variant is present in population databases (no rsID available, gnomAD 0.0009%). This variant has not been reported in the literature in individuals affected with GALNS-related conditions. ClinVar contains an entry for this variant (Variation ID: 1505633). Invitae Evidence Modeling of protein sequence and biophysical properties (such as structural, functional, and spatial information, amino acid conservation, physicochemical variation, residue mobility, and thermodynamic stability) indicates that this missense variant is expected to disrupt GALNS protein function with a positive predictive value of 95%. This variant disrupts the p.Lys399 amino acid residue in GALNS. Other variant(s) that disrupt this residue have been determined to be pathogenic (PMID: 34387910). This suggests that this residue is clinically significant, and that variants that disrupt this residue are likely to be disease-causing. In summary, the currently available evidence indicates that the variant is pathogenic, but additional data are needed to prove that conclusively. Therefore, this variant has been classified as Likely Pathogenic.

Literature cited by the submitters: PubMed 34387910.